The following is an entry in ClinVar:

NM_018100.4(EFHC1):c.827G>A (p.Arg276Gln)

Gene: EFHC1 (EF-hand domain containing 1; plus strand). Cytogenetic location: 6p12.2.
Variant type: single nucleotide variant.
Coding change: c.827G>A on transcript NM_018100.4 (MANE Select); coding-DNA position 827, G replaced by A.
Protein change: p.Arg276Gln; replaces arginine 276 with glutamine.
Molecular consequence: missense variant. On other transcripts: non-coding transcript variant (1).
Genome position (GRCh38, 1-based): chr6:52,454,198, G>A. VCF-style: chr6-52454198-G-A. GRCh37 (hg19) VCF-style: chr6-52318996-G-A.
Other names: c.770G>A, p.Arg257Gln (NM_001172420.2); short protein forms R257Q, R276Q.
Identifiers: ClinVar variation 999352 (VCV000999352.2), dbSNP rs758695181, ClinGen allele CA3855926.

ClinVar aggregate classification (germline): Uncertain significance (1 of 4 stars; one submission).

Conditions:
Myoclonic epilepsy, juvenile, susceptibility to, 1. Also called: Myoclonic Epilepsy, Juvenile, 1; EJM1. Identifiers: MedGen C1850778, MONDO:0020752, OMIM 254770.
Typical absence seizure. Identifiers: MedGen C5551411, HP:0011147.

Allele frequency attached by ClinVar (database versions not stated): ExAC 0.00001; gnomAD 0.00001; gnomAD exomes 0.00002; TOPMed 0.00002.
gnomAD v4.1: 18 of 1,613,966 alleles (0.0011%); highest among the groups gnomAD compares: Non-Finnish European, 0.0014%; no homozygotes.

Submission:

Labcorp Genetics (formerly Invitae), Labcorp
Classification: Uncertain significance for Myoclonic epilepsy, juvenile, susceptibility to, 1; Absence seizure. Last evaluated: 2021-08-28. Review status: criteria provided, single submitter. Criteria: Invitae Variant Classification Sherloc (09022015). Collection method: clinical testing. Allele origin: germline.
Comment: This sequence change replaces arginine with glutamine at codon 276 of the EFHC1 protein (p.Arg276Gln). The arginine residue is highly conserved and there is a small physicochemical difference between arginine and glutamine. This variant is present in population databases (rs758695181, ExAC 0.001%). This variant has not been reported in the literature in individuals affected with EFHC1-related conditions. Algorithms developed to predict the effect of missense changes on protein structure and function (SIFT, PolyPhen-2, Align-GVGD) all suggest that this variant is likely to be tolerated. In summary, the available evidence is currently insufficient to determine the role of this variant in disease. Therefore, it has been classified as a Variant of Uncertain Significance.